The following is an entry in ClinVar:

ClinVar aggregate classification (germline): Pathogenic. Review status: criteria provided, multiple submitters, no conflicts (2 of 4 stars). 5 submissions from 5 submitters: Pathogenic (3). 2 of the submissions do not count toward it. Last evaluated 2025-09-25.

Conditions:
CFTR-related disorder (CFTR-RD). Also called: CFTR-related disorders; CFTR-related condition. Identifiers: MedGen C5924204, MONDO:7770004.
Cystic fibrosis (CF). Also called: MUCOVISCIDOSIS. Identifiers: Orphanet 586, MedGen C0010674, MONDO:0009061, OMIM 219700. Disease mechanism: loss of function.

Allele frequency attached by ClinVar (database versions not stated): gnomAD exomes below 0.00001.
gnomAD v4.1: 1 of 1,613,420 alleles (0.000062%); highest among the groups gnomAD compares: Non-Finnish European, 0.000085%; no homozygotes.

Submissions (5):

Natera, Inc.
Classification: Pathogenic for CFTR-related disorders. Last evaluated: 2025-09-25. Review status: criteria provided, single submitter. Criteria: Natera Variant Classification Schema (03/2026). Collection method: clinical testing. Allele origin: germline.
Comment: The c.3841C>T variant in CFTR is a nonsense variant predicted to introduce a stop codon at amino acid 1281. This variant is expected to result in nonsense mediated decay, truncation, or a dysfunctional protein product. This variant is rare in the general population with a frequency below the threshold expected for the associated phenotype(s). This variant has been observed in one or more individuals affected with the associated recessive disease, as either homozygous or compound heterozygous with a second variant (PMID: 9439669). Given the available evidence, this variant is classified as Pathogenic.

Ambry Genetics
Classification: Pathogenic for Cystic fibrosis. Last evaluated: 2024-09-17. Review status: criteria provided, single submitter. Criteria: Ambry Variant Classification Scheme 2023. Collection method: clinical testing. Allele origin: germline.
Comment: The p.Q1281* pathogenic mutation (also known as c.3841C>T), located in coding exon 23 of the CFTR gene, results from a C to T substitution at nucleotide position 3841. This changes the amino acid from a glutamine to a stop codon within coding exon 23.This pathogenic alteration was observed in trans with deltaF508 in a patient with severe disease, including pancreatic and lung involvement (Casals T et al. Hum Genet. 1997;101(3):365-370). This variant has also been reported in registries of cystic fibrosis patients (da Silva Filho LVRF et al. J Cyst Fibros. 2021 May;20:473-484; Mei Zahav M et al. J Cyst Fibros. 2023 Mar;22:234-247).This variant is considered to be rare based on population cohorts in the Genome Aggregation Database (gnomAD). This alteration is expected to result in loss of function by premature protein truncation or nonsense-mediated mRNA decay. As such, this alteration is interpreted as a disease-causing mutation.

Mendelics
Classification: Pathogenic for Cystic fibrosis. Last evaluated: 2018-11-05. Review status: criteria provided, single submitter. Criteria: Mendelics Assertion Criteria 2017. Collection method: clinical testing. Allele origin: unknown. Affected: yes.

Counsyl
Classification: Likely pathogenic for Cystic fibrosis. Last evaluated: 2018-03-12. Review status: no assertion criteria provided. Collection method: clinical testing. Allele origin: unknown. Not counted in ClinVar's aggregate classification.

ClinVar Staff, National Center for Biotechnology Information (NCBI)
No classification provided. Condition: CFTR-related disorders. Review status: no classification provided. Collection method: literature only. Allele origin: germline. Affected: yes. Not counted in ClinVar's aggregate classification.

Literature cited by the submitters: PubMed 9439669 (cited by 3 submitters); PubMed 32819855 (cited by Ambry Genetics); PubMed 35934641 (cited by Ambry Genetics); PubMed 17331079 (cited by ClinVar Staff, National Center for Biotechnology Information (NCBI)).

NM_000492.4(CFTR):c.3841C>T (p.Gln1281Ter)

Genes: CFTR-AS2 (CFTR antisense RNA 2; minus strand), CFTR (CF transmembrane conductance regulator; plus strand). Cytogenetic location: 7q31.2.
Variant type: single nucleotide variant.
Coding change: c.3841C>T on transcript NM_000492.4 (MANE Select); coding-DNA position 3841, C replaced by T.
Protein change: p.Gln1281Ter; replaces glutamine 1281 with a stop codon.
Molecular consequence: nonsense.
Genome position (GRCh38, 1-based): chr7:117,642,561, C>T. VCF-style: chr7-117642561-C-T. GRCh37 (hg19) VCF-style: chr7-117282615-C-T.
Other names: short protein forms Q1281*.
Identifiers: ClinVar variation 53819 (VCV000053819.7), dbSNP rs397508615, ClinGen allele CA327302.